The following is an entry in ClinVar:

ClinVar aggregate classification (germline): Pathogenic (1 of 4 stars; one submission).

Conditions:
Duchenne muscular dystrophy (DMD). Also called: MUSCULAR DYSTROPHY, PSEUDOHYPERTROPHIC PROGRESSIVE, DUCHENNE TYPE; Duchenne Muscular Dystrophy (DMD). Identifiers: Orphanet 98896, MedGen C0013264, MONDO:0010679, OMIM 310200.

Submission:

Labcorp Genetics (formerly Invitae), Labcorp
Classification: Pathogenic for Duchenne muscular dystrophy. Last evaluated: 2025-02-01. Review status: criteria provided, single submitter. Criteria: Invitae Variant Classification Sherloc (09022015). Collection method: clinical testing. Allele origin: germline.
Comment: This sequence change creates a premature translational stop signal (p.Glu2029*) in the DMD gene. It is expected to result in an absent or disrupted protein product. Loss-of-function variants in DMD are known to be pathogenic (PMID: 16770791, 25007885). This variant is not present in population databases (gnomAD no frequency). This premature translational stop signal has been observed in individual(s) with Duchenne muscular dystrophy (PMID: 28116794). For these reasons, this variant has been classified as Pathogenic.

Literature cited by the submitters: PubMed 16770791; PubMed 25007885; PubMed 28116794.

NM_004006.3(DMD):c.6084dup (p.Glu2029Ter)

Gene: DMD (dystrophin; minus strand). Cytogenetic location: Xp21.1.
Variant type: Duplication.
Coding change: c.6084dup on transcript NM_004006.3 (MANE Select); coding-DNA position 6084, one base duplicated (T; older notation c.6084dupT).
Protein change: p.Glu2029Ter; replaces glutamic acid 2029 with a stop codon.
Molecular consequence: nonsense.
Genome position (GRCh38, 1-based): chrX:32,310,115, A duplicated on the plus strand (T on the coding strand, the reverse complement: DMD is on the minus strand); the first of 3 consecutive A bases (chrX:32,310,115-32,310,117); duplicating any one gives the same sequence. VCF-style (leftmost placement, unchanged base first): chrX-32310114-C-CA. GRCh37 (hg19) VCF-style: chrX-32328231-C-CA.
Other names: c.6060dup, p.Glu2021Ter (NM_000109.4); c.6072dup, p.Glu2025Ter (NM_004009.3); c.5715dup, p.Glu1906Ter (NM_004010.3); c.2061dup, p.Glu688Ter (NM_004011.4); c.2052dup, p.Glu685Ter (NM_004012.4); short protein forms E688*, E2029*, E1906*, E2021*, E685*, E2025*.
Identifiers: ClinVar variation 4712118 (VCV004712118.1).